The following is an entry in ClinVar:

ClinVar aggregate classification (germline): Uncertain significance (1 of 4 stars; one submission).

Conditions:
Familial thoracic aortic aneurysm and aortic dissection (TAAD). Also called: Thoracic aortic aneurysms and dissections. Identifiers: Orphanet 91387, MedGen C4707243, MONDO:0019625.

Allele frequency attached by ClinVar (database versions not stated): gnomAD exomes below 0.00001; gnomAD 0.00001.
gnomAD v4.1: 4 of 1,614,082 alleles (0.00025%); highest among the groups gnomAD compares: Non-Finnish European, 0.00034%; no homozygotes.

Submission:

Color Diagnostics, LLC DBA Color Health
Classification: Uncertain significance for Familial thoracic aortic aneurysm and aortic dissection. Last evaluated: 2024-03-07. Review status: criteria provided, single submitter. Criteria: ACMG Guidelines, 2015. Collection method: clinical testing. Allele origin: germline.
Comment: This missense variant replaces alanine with threonine at codon 1671 of the MYH11 protein. Computational prediction tools indicate that this variant has a neutral impact on protein structure and function. To our knowledge, functional studies have not been reported for this variant. This variant has not been reported in individuals affected with MYH11-related disorders in the literature. This variant has been identified in 1/31404 chromosomes in the general population by the Genome Aggregation Database (gnomAD). The available evidence is insufficient to determine the role of this variant in disease conclusively. Therefore, this variant is classified as a Variant of Uncertain Significance.

NM_002474.3(MYH11):c.4990G>A (p.Ala1664Thr)

Genes: NDE1 (nudE neurodevelopment protein 1; plus strand), MYH11 (myosin heavy chain 11; minus strand). Cytogenetic location: 16p13.11.
Variant type: single nucleotide variant.
Coding change: c.4990G>A on transcript NM_002474.3 (MANE Select); coding-DNA position 4990, G replaced by A.
Protein change: p.Ala1664Thr; replaces alanine 1664 with threonine.
Molecular consequence: missense variant. On other transcripts: intron variant (2).
Genome position (GRCh38, 1-based): chr16:15,719,677, C>T on the plus strand (G>A on the coding strand, the complement: MYH11 is on the minus strand). VCF-style: chr16-15719677-C-T. GRCh37 (hg19) VCF-style: chr16-15813534-C-T.
Other names: c.5011G>A, p.Ala1671Thr (NM_001040113.2, NM_001040114.2); c.4990G>A, p.Ala1664Thr (NM_022844.3); c.948-4514C>T (NM_001143979.2, NM_017668.3); short protein forms A1664T, A1671T.
Identifiers: ClinVar variation 1172236 (VCV001172236.3), dbSNP rs1475779964, ClinGen allele CA394851773.